The following is an entry in ClinVar:

NM_080425.4(GNAS):c.1966C>T (p.Arg656Trp)

Gene: GNAS (GNAS complex locus; plus strand). Cytogenetic location: 20q13.32.
Variant type: single nucleotide variant.
Coding change: c.1966C>T on transcript NM_080425.4 (MANE Plus Clinical); coding-DNA position 1966, C replaced by T.
Protein change: p.Arg656Trp; replaces arginine 656 with tryptophan.
Molecular consequence: missense variant. On other transcripts: synonymous variant (2), intron variant (3).
Genome position (GRCh38, 1-based): chr20:58,855,231, C>T. VCF-style: chr20-58855231-C-T. GRCh37 (hg19) VCF-style: chr20-57430286-C-T.
Other names: c.1779C>T, p.Ser593= (NM_001077490.3, NM_001309883.1); c.1966C>T, p.Arg656Trp (NM_001410913.1); c.*42+14345C>T (NM_016592.5); c.43+14345C>T (NM_001410912.1); c.-39+13356C>T (NM_001309861.2); short protein forms R656W.
Identifiers: ClinVar variation 4983366 (VCV004983366.1).

ClinVar aggregate classification (germline): Uncertain significance (1 of 4 stars; one submission).

Conditions:
GNAS-related disorder. Identifiers: MedGen CN380105.

gnomAD v4.1: 5 of 1,594,934 alleles (0.00031%); highest among the groups gnomAD compares: Non-Finnish European, 0.00043%; no homozygotes.

Submission:

PreventionGenetics, part of Exact Sciences
Classification: Uncertain significance for GNAS-related condition. Last evaluated: 2026-01-29. Review status: criteria provided, single submitter. Criteria: ACMG Guidelines, 2015. Collection method: clinical testing. Allele origin: germline.
Comment: The GNAS c.1966C>T variant is predicted to result in the amino acid substitution p.Arg656Trp. In the primary transcript (NM_000516.5), this variant is found in a pre-coding region (c.-36496C>T). To our knowledge, this variant has not been reported in the literature. This variant is reported in 0.0011% of alleles in individuals of European (Non-Finnish) descent in gnomAD. At this time, the clinical significance of this variant is uncertain due to the absence of conclusive functional and genetic evidence.